The following is an entry in ClinVar:

NM_001294.4(CLPTM1):c.897C>T (p.Ala299=)

Gene: CLPTM1 (CLPTM1 regulator of GABA type A receptor forward trafficking; plus strand). Cytogenetic location: 19q13.32.
Variant type: single nucleotide variant.
Coding change: c.897C>T on transcript NM_001294.4 (MANE Select); coding-DNA position 897, C replaced by T.
Protein change: p.Ala299=; no amino-acid change (alanine 299 retained).
Molecular consequence: synonymous variant.
Genome position (GRCh38, 1-based): chr19:44,987,282, C>T. VCF-style: chr19-44987282-C-T. GRCh37 (hg19) VCF-style: chr19-45490540-C-T.
Other names: c.855C>T, p.Ala285= (NM_001282175.2); c.591C>T, p.Ala197= (NM_001282176.2).
Identifiers: ClinVar variation 3035316 (VCV003035316.2), dbSNP rs576754517, ClinGen allele CA9506968.
Genomic context (GRCh38, chr19:44,987,282, plus strand): 5'-CTACTTCAATGACTACTGGAACCTGCAGAAGGACTACTACCCCATCAACGAGAGCCTGGC[C>T]AGCCTGCCGCTCCGCGTCTCCTTCTGCCCACTCTCGCTTTGGCGCTGGCAGCTCTATGCT-3'
Protein context (NP_001285.1, residues 289-309): KDYYPINESL[Ala299=]SLPLRVSFCP

ClinVar aggregate classification (germline): Likely benign (0 of 4 stars; one submission).

Conditions:
CLPTM1-related disorder. Also called: CLPTM1-related condition.

Allele frequency attached by ClinVar (database versions not stated): TOPMed 0.00003; gnomAD 0.00014; gnomAD exomes 0.00023; ExAC 0.00044; 1000 Genomes Project 30x 0.00078; 1000 Genomes Project 0.00080.
gnomAD v4.1: 359 of 1,614,272 alleles (0.022%); highest among the groups gnomAD compares: South Asian, 0.31%; 8 homozygotes.

Submission:

PreventionGenetics, part of Exact Sciences
Classification: Likely benign for CLPTM1-related condition. Last evaluated: 2019-08-09. Review status: no assertion criteria provided. Collection method: clinical testing. Allele origin: germline.
Comment: This variant is classified as likely benign based on ACMG/AMP sequence variant interpretation guidelines (Richards et al. 2015 PMID: 25741868, with internal and published modifications).